The following is an entry in ClinVar:

NM_000038.6(APC):c.3880del (p.Gln1294fs)

Gene: APC (APC regulator of Wnt signaling pathway; plus strand). Cytogenetic location: 5q22.2.
Variant type: Deletion.
Coding change: c.3880del on transcript NM_000038.6 (MANE Select); coding-DNA position 3880, one base deleted (C; older notation c.3880delC).
Protein change: p.Gln1294fs; shifts the reading frame from glutamine 1294.
Molecular consequence: frameshift variant.
Genome position (GRCh38, 1-based): chr5:112,839,474, C deleted. VCF-style (leftmost placement, unchanged base first): chr5-112839473-AC-A. GRCh37 (hg19) VCF-style: chr5-112175170-AC-A.
Other names: c.3880del, p.Gln1294fs (NM_001127510.3, NM_001354895.2); c.3826del, p.Gln1276fs (NM_001127511.3); c.3934del, p.Gln1312fs (NM_001354896.2); c.3910del, p.Gln1304fs (NM_001354897.2); c.3805del, p.Gln1269fs (NM_001354898.2); c.3796del, p.Gln1266fs (NM_001354899.2); c.3757del, p.Gln1253fs (NM_001354900.2); c.3703del, p.Gln1235fs (NM_001354901.2); and 5 more; short protein forms Q1168fs, Q1312fs, Q1011fs, Q1253fs, Q1266fs, Q1276fs, Q1294fs, Q1134fs.
Identifiers: ClinVar variation 1459104 (VCV001459104.8), dbSNP rs2149901159, ClinGen allele CA658760601.

ClinVar aggregate classification (germline): Pathogenic (1 of 4 stars; one submission).

Conditions:
Familial adenomatous polyposis 1 (FAP1). Also called: POLYPOSIS, ADENOMATOUS INTESTINAL; FAMILIAL ADENOMATOUS POLYPOSIS 1, ATTENUATED. Identifiers: MedGen C2713442, MONDO:0021056, OMIM 175100. Disease mechanism: loss of function.

Submission:

Labcorp Genetics (formerly Invitae), Labcorp
Classification: Pathogenic for Familial adenomatous polyposis 1. Last evaluated: 2020-12-25. Review status: criteria provided, single submitter. Criteria: Invitae Variant Classification Sherloc (09022015). Collection method: clinical testing. Allele origin: germline.
Comment: This sequence change creates a premature translational stop signal (p.Gln1294Argfs*11) in the APC gene. While this is not anticipated to result in nonsense mediated decay, it is expected to disrupt the last 1550 amino acid(s) of the APC protein. This variant is not present in population databases (ExAC no frequency). This variant has been observed in individual(s) with clinical features of APC-related conditions (PMID: 20223039). This variant is expected to disrupt the EB1 and HDLG binding sites, which mediate interactions with the cytoskeleton (PMID: 15311282, 17293347). While functional studies have not been performed to directly test the effect on APC protein function, this suggests that disruption of the C-terminal portion of the protein is functionally important. For these reasons, this variant has been classified as Pathogenic. A different truncation (p.Tyr2645Lysfs*14) that lies downstream of this variant has been determined to be pathogenic (PMID: 9824584, 1316610, 27081525, 8381579, 22135120, Invitae). This suggests that deletion of this region of the APC protein is causative of disease.

Literature cited by the submitters: PubMed 20223039; PubMed 15311282; PubMed 17293347; PubMed 9824584; PubMed 1316610; PubMed 27081525; PubMed 8381579; PubMed 22135120.